The following is an entry in ClinVar:

NM_138420.4(AHNAK2):c.2808A>G (p.Ile936Met)

Gene: AHNAK2 (AHNAK nucleoprotein 2; minus strand). Cytogenetic location: 14q32.33.
Variant type: single nucleotide variant.
Coding change: c.2808A>G on transcript NM_138420.4 (MANE Select); coding-DNA position 2808, A replaced by G.
Protein change: p.Ile936Met; replaces isoleucine 936 with methionine.
Molecular consequence: missense variant.
Genome position (GRCh38, 1-based): chr14:104,952,643, T>C on the plus strand (A>G on the coding strand, the complement: AHNAK2 is on the minus strand). VCF-style: chr14-104952643-T-C. GRCh37 (hg19) VCF-style: chr14-105418980-T-C.
Other names: c.2508A>G, p.Ile836Met (NM_001350929.2); short protein forms I836M, I936M.
Identifiers: ClinVar variation 5038601 (VCV005038601.1).

ClinVar aggregate classification (germline): Likely benign (1 of 4 stars; one submission).

Submission:

CeGaT Center for Human Genetics Tuebingen
Classification: Likely benign. Last evaluated: 2026-08-01. Review status: criteria provided, single submitter. Criteria: CeGaT Center For Human Genetics Tuebingen Variant Classification Criteria Version 2. Collection method: clinical testing. Allele origin: germline. Affected: yes. Observed: 1 variant allele.
Comment: AHNAK2: BP4